The following is an entry in ClinVar:

NM_178857.6(RP1L1):c.2720C>T (p.Ala907Val)

Gene: RP1L1 (RP1 like 1). Cytogenetic location: 8p23.1.
Variant type: single nucleotide variant.
Coding change: c.2720C>T on transcript NM_178857.6 (MANE Select); coding-DNA position 2720, C replaced by T.
Protein change: p.Ala907Val; replaces alanine 907 with valine.
Molecular consequence: missense variant.
Genome position (GRCh38, 1-based): chr8:10,611,378, G>A on the plus strand (C>T on the coding strand, the complement: RP1L1 is on the minus strand). VCF-style: chr8-10611378-G-A. GRCh37 (hg19) VCF-style: chr8-10468888-G-A.
Other names: short protein forms A907V.
Identifiers: ClinVar variation 931164 (VCV000931164.4), dbSNP rs758561870, ClinGen allele CA4624731.
Genomic context (GRCh38, chr8:10,611,378, plus strand): 5'-GTCTTCTCCTCGGACAGCCCCCGAGACCCCGCACCCTGGCTGGCACTGCTTCTCCTTGAT[G>A]CCCCTGAATTGGGGCCTGGGGACGGCGTGGGGCCTGGCTGGCGTGTCCCCTCCTGCGGGC-3'
Protein context (NP_849188.4, residues 897-917): PTPSPGPNSG[Ala907Val]SRRSSASQGA

ClinVar aggregate classification (germline): Uncertain significance. Review status: criteria provided, multiple submitters, no conflicts (2 of 4 stars). 2 submissions from 2 submitters: Uncertain significance (2). Last evaluated 2024-11-13.

Conditions:
Retinitis pigmentosa 88. Identifiers: MedGen C5394208, MONDO:0032940, OMIM 618826.

Allele frequency attached by ClinVar (database versions not stated): gnomAD 0.00001; gnomAD exomes 0.00001 and 0.00002; ExAC 0.00002; TOPMed 0.00002.
gnomAD v4.1: 38 of 1,608,816 alleles (0.0024%); highest among the groups gnomAD compares: Non-Finnish European, 0.003%; no homozygotes.

Submissions (2):

Blueprint Genetics
Classification: Uncertain significance. Last evaluated: 2024-11-13. Review status: criteria provided, single submitter. Criteria: ACMG Guidelines, 2015. Collection method: clinical testing. Allele origin: germline.

Centre for Mendelian Genomics, University Medical Centre Ljubljana
Classification: Uncertain significance for Retinitis pigmentosa 88. Last evaluated: 2019-12-18. Review status: criteria provided, single submitter. Criteria: ACMG Guidelines, 2015. Collection method: clinical testing. Allele origin: unknown. Affected: yes.
Comment: This variant was classified as: Uncertain significance. The available evidence on this variant's pathogenicity is insufficient or conflicting. The following ACMG criteria were applied in classifying this variant: BP4.